The following is an entry in ClinVar:

NM_000455.5(STK11):c.940_941del (p.Pro314fs)

Gene: STK11 (serine/threonine kinase 11; plus strand). Cytogenetic location: 19p13.3.
Variant type: Deletion.
Coding change: c.940_941del on transcript NM_000455.5 (MANE Select); coding-DNA positions 940 to 941, 2 bases deleted (CC; older notation c.940_941delCC).
Protein change: p.Pro314fs; shifts the reading frame from proline 314.
Molecular consequence: frameshift variant.
Genome position (GRCh38, 1-based): chr19:1,223,004-1,223,005, CC deleted. VCF-style (leftmost placement, unchanged base first): chr19-1223003-TCC-T. GRCh37 (hg19) VCF-style: chr19-1223002-TCC-T.
Other names: short protein forms P314fs.
Identifiers: ClinVar variation 1410739 (VCV001410739.6), dbSNP rs2145430693, ClinGen allele CA2573155778.

ClinVar aggregate classification (germline): Pathogenic (1 of 4 stars; one submission).

Conditions:
Peutz-Jeghers syndrome (PJS). Also called: POLYPOSIS, HAMARTOMATOUS INTESTINAL; POLYPS-AND-SPOTS SYNDROME; Peutz-Jeghers polyposis; Periorificial lentiginosis syndrome. Identifiers: Orphanet 2869, MedGen C0031269, MeSH D010580, MONDO:0008280, OMIM 175200.

Submission:

Labcorp Genetics (formerly Invitae), Labcorp
Classification: Pathogenic for Peutz-Jeghers syndrome. Last evaluated: 2021-11-07. Review status: criteria provided, single submitter. Criteria: Invitae Variant Classification Sherloc (09022015). Collection method: clinical testing. Allele origin: germline.
Comment: For these reasons, this variant has been classified as Pathogenic. This variant has not been reported in the literature in individuals affected with STK11-related conditions. This variant is not present in population databases (gnomAD no frequency). This sequence change creates a premature translational stop signal (p.Pro314Serfs*3) in the STK11 gene. It is expected to result in an absent or disrupted protein product. Loss-of-function variants in STK11 are known to be pathogenic (PMID: 15188174, 16287113).

Literature cited by the submitters: PubMed 15188174; PubMed 16287113.